The following is an entry in ClinVar:

NM_000642.3(AGL):c.93A>G (p.Leu31=)

Gene: AGL (amylo-alpha-1,6-glucosidase and 4-alpha-glucanotransferase; plus strand). Cytogenetic location: 1p21.2.
Variant type: single nucleotide variant.
Coding change: c.93A>G on transcript NM_000642.3 (MANE Select); coding-DNA position 93, A replaced by G.
Protein change: p.Leu31=; no amino-acid change (leucine 31 retained).
Molecular consequence: synonymous variant.
Genome position (GRCh38, 1-based): chr1:99,861,513, A>G. VCF-style: chr1-99861513-A-G. GRCh37 (hg19) VCF-style: chr1-100327069-A-G.
Other names: p.Leu31=; c.93A>G, p.Leu31= (NM_001425329.1, NM_000028.3, NM_000643.3 and 5 more transcripts); c.45A>G, p.Leu15= (NM_000646.3).
Identifiers: ClinVar variation 706885 (VCV000706885.12), dbSNP rs757542271, ClinGen allele CA966059.

ClinVar aggregate classification (germline): Likely benign. Review status: criteria provided, multiple submitters, no conflicts (2 of 4 stars). 2 submissions from 2 submitters: Likely benign (2). Last evaluated 2026-01-07.

Conditions:
Glycogen storage disease type III (GSD3). Also called: FORBES DISEASE; Cori disease. Identifiers: Orphanet 366, MedGen C0017922, MONDO:0009291, OMIM 232400.

Allele frequency attached by ClinVar (database versions not stated): TOPMed 0.00001; ExAC 0.00002; gnomAD exomes 0.00002.
gnomAD v4.1: 33 of 1,613,954 alleles (0.002%); highest among the groups gnomAD compares: Non-Finnish European, 0.0027%; no homozygotes.

Submissions (2):

Labcorp Genetics (formerly Invitae), Labcorp
Classification: Likely benign for Glycogen storage disease type III. Last evaluated: 2026-01-07. Review status: criteria provided, single submitter. Criteria: Invitae Variant Classification Sherloc (09022015). Collection method: clinical testing. Allele origin: germline.

Mayo Clinic Laboratories, Mayo Clinic
Classification: Likely benign. Last evaluated: 2025-04-08. Review status: criteria provided, single submitter. Criteria: ACMG Guidelines, 2015. Collection method: clinical testing. Allele origin: germline. Observed: 1 variant allele.
Comment: BP4, BP7